The following is an entry in ClinVar:

ClinVar aggregate classification (germline): Uncertain significance. Review status: criteria provided, multiple submitters, no conflicts (2 of 4 stars). 2 submissions from 2 submitters: Uncertain significance (2). Last evaluated 2024-06-16.

Allele frequency attached by ClinVar (database versions not stated): TOPMed 0.00001; ExAC 0.00003.
gnomAD v4.1: 8 of 1,614,160 alleles (0.0005%); highest among the groups gnomAD compares: Admixed American, 0.013%; no homozygotes.

Submissions (2):

Ambry Genetics
Classification: Uncertain significance. Last evaluated: 2024-06-16. Review status: criteria provided, single submitter. Criteria: Ambry Variant Classification Scheme 2023. Collection method: clinical testing. Allele origin: germline.

Labcorp Genetics (formerly Invitae), Labcorp
Classification: Uncertain significance. Last evaluated: 2024-02-24. Review status: criteria provided, single submitter. Criteria: Invitae Variant Classification Sherloc (09022015). Collection method: clinical testing. Allele origin: germline.
Comment: This sequence change replaces tryptophan, which is neutral and slightly polar, with cysteine, which is neutral and slightly polar, at codon 177 of the ROM1 protein (p.Trp177Cys). This variant is present in population databases (rs756061237, gnomAD 0.01%). This variant has not been reported in the literature in individuals affected with ROM1-related conditions. ClinVar contains an entry for this variant (Variation ID: 933792). Advanced modeling of protein sequence and biophysical properties (such as structural, functional, and spatial information, amino acid conservation, physicochemical variation, residue mobility, and thermodynamic stability) performed at Invitae indicates that this missense variant is expected to disrupt ROM1 protein function with a positive predictive value of 80%. In summary, the available evidence is currently insufficient to determine the role of this variant in disease. Therefore, it has been classified as a Variant of Uncertain Significance.

NM_000327.4(ROM1):c.531G>T (p.Trp177Cys)

Gene: ROM1 (retinal outer segment membrane protein 1; plus strand). Cytogenetic location: 11q12.3.
Variant type: single nucleotide variant.
Coding change: c.531G>T on transcript NM_000327.4 (MANE Select); coding-DNA position 531, G replaced by T.
Protein change: p.Trp177Cys; replaces tryptophan 177 with cysteine.
Molecular consequence: missense variant.
Genome position (GRCh38, 1-based): chr11:62,613,812, G>T. VCF-style: chr11-62613812-G-T. GRCh37 (hg19) VCF-style: chr11-62381284-G-T.
Other names: short protein forms W177C.
Identifiers: ClinVar variation 933792 (VCV000933792.8), dbSNP rs756061237, ClinGen allele CA6049755.